The following is an entry in ClinVar:

NM_004789.4(LHX2):c.291C>T (p.Asp97=)

Gene: LHX2 (LIM homeobox 2; plus strand). Cytogenetic location: 9q33.3.
Variant type: single nucleotide variant.
Coding change: c.291C>T on transcript NM_004789.4 (MANE Select); coding-DNA position 291, C replaced by T.
Protein change: p.Asp97=; no amino-acid change (aspartic acid 97 retained).
Molecular consequence: synonymous variant.
Genome position (GRCh38, 1-based): chr9:124,014,131, C>T. VCF-style: chr9-124014131-C-T. GRCh37 (hg19) VCF-style: chr9-126776410-C-T.
Identifiers: ClinVar variation 3056509 (VCV003056509.2), dbSNP rs144291200, ClinGen allele CA5233806.

ClinVar aggregate classification (germline): Likely benign (0 of 4 stars; one submission).

Conditions:
LHX2-related disorder. Also called: LHX2-related condition.

Allele frequency attached by ClinVar (database versions not stated): 1000 Genomes Project 0.00100; 1000 Genomes Project 30x 0.00109; ExAC 0.00215; gnomAD 0.00268; TOPMed 0.00292; ESP Exome Variant Server 0.00331.
gnomAD v4.1: 5,978 of 1,613,466 alleles (0.37%); highest among the groups gnomAD compares: Non-Finnish European, 0.45%; 12 homozygotes.

Submission:

PreventionGenetics, part of Exact Sciences
Classification: Likely benign for LHX2-related condition. Last evaluated: 2019-08-15. Review status: no assertion criteria provided. Collection method: clinical testing. Allele origin: germline.
Comment: This variant is classified as likely benign based on ACMG/AMP sequence variant interpretation guidelines (Richards et al. 2015 PMID: 25741868, with internal and published modifications).